The following is an entry in ClinVar:

ClinVar aggregate classification (germline): Uncertain significance. Review status: criteria provided, multiple submitters, no conflicts (2 of 4 stars). 2 submissions from 2 submitters: Uncertain significance (2). Last evaluated 2024-01-30.

Conditions:
Tuberous sclerosis 2 (TSC2). Identifiers: Orphanet 805, MedGen C1860707, MONDO:0013199, OMIM 613254.
Hereditary cancer-predisposing syndrome. Also called: Neoplastic Syndromes, Hereditary; Hereditary Cancer Syndrome; Tumor predisposition; Hereditary neoplastic syndrome. Identifiers: Orphanet 140162, MedGen C0027672, MeSH D009386, MONDO:0015356.

Submissions (2):

Labcorp Genetics (formerly Invitae), Labcorp
Classification: Uncertain significance for Tuberous sclerosis 2. Last evaluated: 2024-01-30. Review status: criteria provided, single submitter. Criteria: Invitae Variant Classification Sherloc (09022015). Collection method: clinical testing. Allele origin: germline.
Comment: This sequence change affects codon 340 of the TSC2 mRNA. It is a 'silent' change, meaning that it does not change the encoded amino acid sequence of the TSC2 protein. This variant is not present in population databases (gnomAD no frequency). This variant has not been reported in the literature in individuals affected with TSC2-related conditions. ClinVar contains an entry for this variant (Variation ID: 2564624). Algorithms developed to predict the effect of sequence changes on RNA splicing suggest that this variant may create or strengthen a splice site. In summary, the available evidence is currently insufficient to determine the role of this variant in disease. Therefore, it has been classified as a Variant of Uncertain Significance.

Ambry Genetics
Classification: Uncertain significance for Hereditary cancer-predisposing syndrome. Last evaluated: 2023-04-10. Review status: criteria provided, single submitter. Criteria: Ambry Variant Classification Scheme 2023. Collection method: clinical testing. Allele origin: germline.
Comment: The c.1020G>T variant (also known as p.L340L), located in coding exon 10 of the TSC2 gene, results from a G to T substitution at nucleotide position 1020. This nucleotide substitution does not change the leucine at codon 340. This nucleotide position is poorly conserved in available vertebrate species. In silico splice site analysis predicts that this alteration may result in the creation or strengthening of a novel splice acceptor site. Since supporting evidence is limited at this time, the clinical significance of this alteration remains unclear.

NM_000548.5(TSC2):c.1020G>T (p.Leu340=)

Gene: TSC2 (TSC complex subunit 2; plus strand). Cytogenetic location: 16p13.3.
Variant type: single nucleotide variant.
Coding change: c.1020G>T on transcript NM_000548.5 (MANE Select); coding-DNA position 1020, G replaced by T.
Protein change: p.Leu340=; no amino-acid change (leucine 340 retained).
Molecular consequence: synonymous variant. On other transcripts: 5 prime UTR variant (10), non-coding transcript variant (5).
Genome position (GRCh38, 1-based): chr16:2,060,714, G>T. VCF-style: chr16-2060714-G-T. GRCh37 (hg19) VCF-style: chr16-2110715-G-T.
Other names: c.909G>T, p.Leu303= (NM_001406678.1, NM_001318827.2, NM_001406670.1); c.873G>T, p.Leu291= (NM_001406679.1, NM_001318829.2, NM_001406675.1 and 1 more transcripts); c.420G>T, p.Leu140= (NM_001406680.1, NM_001406682.1, NM_001406683.1 and 6 more transcripts); c.558G>T, p.Leu186= (NM_001406681.1); c.-412G>T (NM_001406689.1, NM_001406690.1, NM_001406691.1 and 4 more transcripts); c.-293G>T (NM_001406694.1, NM_001406695.1); c.-588G>T (NM_001406698.1); c.1020G>T, p.Leu340= (NM_021055.3, NM_001114382.3, NM_001363528.2 and 6 more transcripts); and 4 more.
Identifiers: ClinVar variation 2564624 (VCV002564624.5), dbSNP rs2151135941, ClinGen allele CA492960727.